The following is an entry in ClinVar:

ClinVar aggregate classification (germline): Pathogenic (1 of 4 stars; one submission).

Submission:

ISCA site 15
Classification: Pathogenic. Last evaluated: 2011-08-12. Review status: criteria provided, single submitter. Criteria: Kaminsky et al. (Genet Med. 2011). Collection method: clinical testing. Allele origin: de novo. Affected: yes. Observed: 2 variant alleles.
Comment: Copy number variation identified through the course of routine clinical cytogenomic testing in postnatal populations. Clinical assertions have been curated as described in Kaminsky et al. 2011.

GRCh38/hg38 7q11.23(chr7:73096542-74727989)x1

Genes: ABHD11 (abhydrolase domain containing 11; minus strand), ABHD11-AS1 (ABHD11 antisense RNA 1 (tail to tail); plus strand), BAZ1B (bromodomain adjacent to zinc finger domain 1B; minus strand), BCL7B (BAF chromatin remodeling complex subunit BCL7B; minus strand), BUD23 (BUD23 rRNA methyltransferase and ribosome maturation factor; plus strand) and 131 more. Cytogenetic location: 7q11.23.
Variant type: copy number loss.
Change: copy number 1 (one copy instead of two) of chr7:73,096,542-74,727,989 (1.63 Mb, GRCh38 coordinates, 1-based), cytogenetic band 7q11.23.
Identifiers: ClinVar variation 59305 (VCV000059305.1).